The following is an entry in ClinVar:

NM_198253.3(TERT):c.1804T>C (p.Ser602Pro)

Gene: TERT (telomerase reverse transcriptase; minus strand). Cytogenetic location: 5p15.33.
Variant type: single nucleotide variant.
Coding change: c.1804T>C on transcript NM_198253.3 (MANE Select); coding-DNA position 1804, T replaced by C.
Protein change: p.Ser602Pro; replaces serine 602 with proline.
Molecular consequence: missense variant. On other transcripts: non-coding transcript variant (2).
Genome position (GRCh38, 1-based): chr5:1,280,304, A>G on the plus strand (T>C on the coding strand, the complement: TERT is on the minus strand). VCF-style: chr5-1280304-A-G. GRCh37 (hg19) VCF-style: chr5-1280419-A-G.
Other names: c.1804T>C, p.Ser602Pro (NM_001193376.3); short protein forms S602P.
Identifiers: ClinVar variation 1489274 (VCV001489274.6), dbSNP rs2126644665, ClinGen allele CA359082026.

ClinVar aggregate classification (germline): Uncertain significance (1 of 4 stars; one submission).

Conditions:
Dyskeratosis congenita, autosomal dominant 2. Identifiers: MedGen C3151443, MONDO:0013521, OMIM 613989.
Idiopathic Pulmonary Fibrosis. Also called: Idiopathic fibrosing alveolitis, chronic form; idiopathic fibrosing alveolitis. Identifiers: Orphanet 2032, MedGen C1800706, MeSH D054990, MONDO:0800504.

Submission:

Labcorp Genetics (formerly Invitae), Labcorp
Classification: Uncertain significance for Dyskeratosis congenita, autosomal dominant 2; Idiopathic Pulmonary Fibrosis. Last evaluated: 2021-11-15. Review status: criteria provided, single submitter. Criteria: Invitae Variant Classification Sherloc (09022015). Collection method: clinical testing. Allele origin: germline.
Comment: In summary, the available evidence is currently insufficient to determine the role of this variant in disease. Therefore, it has been classified as a Variant of Uncertain Significance. Advanced modeling of protein sequence and biophysical properties (such as structural, functional, and spatial information, amino acid conservation, physicochemical variation, residue mobility, and thermodynamic stability) performed at Invitae indicates that this missense variant is expected to disrupt TERT protein function. This variant has not been reported in the literature in individuals affected with TERT-related conditions. This variant is not present in population databases (gnomAD no frequency). This sequence change replaces serine, which is neutral and polar, with proline, which is neutral and non-polar, at codon 602 of the TERT protein (p.Ser602Pro).